The following is an entry in ClinVar:

ClinVar aggregate classification (germline): Uncertain significance. Review status: criteria provided, multiple submitters, no conflicts (2 of 4 stars). 2 submissions from 2 submitters: Uncertain significance (2). Last evaluated 2025-02-09.

Conditions:
Cardiovascular phenotype. Identifiers: MedGen CN230736.
Arrhythmogenic right ventricular dysplasia 10. Also called: Arrhythmogenic right ventricular dysplasia/cardiomyopathy, type 10; ARRHYTHMOGENIC RIGHT VENTRICULAR DYSPLASIA, FAMILIAL, 10; Arrhythmogenic Right Ventricular Dysplasia/Cardiomyopathy10. Identifiers: MedGen C1857777, MONDO:0012434, OMIM 610193.

Allele frequency attached by ClinVar (database versions not stated): gnomAD exomes below 0.00001; TOPMed 0.00002; gnomAD 0.00003.

Submissions (2):

Ambry Genetics
Classification: Uncertain significance for Cardiovascular phenotype. Last evaluated: 2025-02-09. Review status: criteria provided, single submitter. Criteria: Ambry Variant Classification Scheme 2023. Collection method: clinical testing. Allele origin: germline.
Comment: The p.R1049T variant (also known as c.3146G>C), located in coding exon 15 of the DSG2 gene, results from a G to C substitution at nucleotide position 3146. The arginine at codon 1049 is replaced by threonine, an amino acid with similar properties. This amino acid position is conserved. In addition, the in silico prediction for this alteration is inconclusive. Since supporting evidence is limited at this time, the clinical significance of this alteration remains unclear.

Labcorp Genetics (formerly Invitae), Labcorp
Classification: Uncertain significance for Arrhythmogenic right ventricular dysplasia 10. Last evaluated: 2024-10-28. Review status: criteria provided, single submitter. Criteria: Invitae Variant Classification Sherloc (09022015). Collection method: clinical testing. Allele origin: germline.
Comment: This sequence change replaces arginine, which is basic and polar, with threonine, which is neutral and polar, at codon 1049 of the DSG2 protein (p.Arg1049Thr). This variant is not present in population databases (gnomAD no frequency). This variant has not been reported in the literature in individuals affected with DSG2-related conditions. ClinVar contains an entry for this variant (Variation ID: 1728132). An algorithm developed to predict the effect of missense changes on protein structure and function outputs the following: PolyPhen-2: "Benign". The threonine amino acid residue is found in multiple mammalian species, which suggests that this missense change does not adversely affect protein function. In summary, the available evidence is currently insufficient to determine the role of this variant in disease. Therefore, it has been classified as a Variant of Uncertain Significance.

NM_001943.5(DSG2):c.3146G>C (p.Arg1049Thr)

Genes: DSG2 (desmoglein 2; plus strand), DSG2-AS1 (DSG2 antisense RNA 1; minus strand). Cytogenetic location: 18q12.1.
Variant type: single nucleotide variant.
Coding change: c.3146G>C on transcript NM_001943.5 (MANE Select); coding-DNA position 3146, G replaced by C.
Protein change: p.Arg1049Thr; replaces arginine 1049 with threonine.
Molecular consequence: missense variant.
Genome position (GRCh38, 1-based): chr18:31,546,532, G>C. VCF-style: chr18-31546532-G-C. GRCh37 (hg19) VCF-style: chr18-29126495-G-C.
Other names: short protein forms R1049T.
Identifiers: ClinVar variation 1728132 (VCV001728132.5), dbSNP rs1395654028, ClinGen allele CA402148696.